The following is an entry in ClinVar:

NM_005573.4(LMNB1):c.471_472del (p.Ser158fs)

Gene: LMNB1 (lamin B1; plus strand). Cytogenetic location: 5q23.2.
Variant type: Deletion.
Coding change: c.471_472del on transcript NM_005573.4 (MANE Select); coding-DNA positions 471 to 472, 2 bases deleted (AA; older notation c.471_472delAA).
Protein change: p.Ser158fs; shifts the reading frame from serine 158.
Molecular consequence: frameshift variant. On other transcripts: 5 prime UTR variant (1), non-coding transcript variant (2).
Genome position (GRCh38, 1-based): chr5:126,804,887-126,804,888, AA deleted; deleting any 2 consecutive bases within chr5:126,804,882-126,804,888 gives the same sequence; the c. name uses the placement nearest the transcript's 3' end. VCF-style (leftmost placement, unchanged base first): chr5-126804881-CAA-C. GRCh37 (hg19) VCF-style: chr5-126140573-CAA-C.
Other names: c.-160_-159del (NM_001198557.2); short protein forms S158fs.
Identifiers: ClinVar variation 4717840 (VCV004717840.1).

ClinVar aggregate classification (germline): Uncertain significance (1 of 4 stars; one submission).

Submission:

Labcorp Genetics (formerly Invitae), Labcorp
Classification: Uncertain significance. Last evaluated: 2025-04-17. Review status: criteria provided, single submitter. Criteria: Invitae Variant Classification Sherloc (09022015). Collection method: clinical testing. Allele origin: germline.
Comment: This sequence change creates a premature translational stop signal (p.Ser158Phefs*29) in the LMNB1 gene. It is expected to result in an absent or disrupted protein product. However, the current clinical and genetic evidence is not sufficient to establish whether loss-of-function variants in LMNB1 cause disease. This variant is not present in population databases (gnomAD no frequency). This variant has not been reported in the literature in individuals affected with LMNB1-related conditions. In summary, the available evidence is currently insufficient to determine the role of this variant in disease. Therefore, it has been classified as a Variant of Uncertain Significance.